The following is an entry in ClinVar:

ClinVar aggregate classification (germline): Uncertain significance. Review status: criteria provided, multiple submitters, no conflicts (2 of 4 stars). 2 submissions from 2 submitters: Uncertain significance (2). Last evaluated 2025-12-06.

Conditions:
IMPDH1-related disorder. Also called: IMPDH1-related disorders; IMPDH1-related condition.

Allele frequency attached by ClinVar (database versions not stated): gnomAD exomes below 0.00001 and 0.00001; TOPMed 0.00002.

Submissions (2):

Labcorp Genetics (formerly Invitae), Labcorp
Classification: Uncertain significance. Last evaluated: 2025-12-06. Review status: criteria provided, single submitter. Criteria: Invitae Variant Classification Sherloc (09022015). Collection method: clinical testing. Allele origin: germline.
Comment: This sequence change replaces glycine, which is neutral and non-polar, with serine, which is neutral and polar, at codon 241 of the IMPDH1 protein (p.Gly241Ser). This variant is present in population databases (no rsID available, gnomAD 0.0009%). This variant has not been reported in the literature in individuals affected with IMPDH1-related conditions. ClinVar contains an entry for this variant (Variation ID: 1399624). An algorithm developed to predict the effect of missense changes on protein structure and function (PolyPhen-2) suggests that this variant is likely to be disruptive. In summary, the available evidence is currently insufficient to determine the role of this variant in disease. Therefore, it has been classified as a Variant of Uncertain Significance.

PreventionGenetics, part of Exact Sciences
Classification: Uncertain significance for IMPDH1-related condition. Last evaluated: 2023-03-22. Review status: criteria provided, single submitter. Criteria: ACMG Guidelines, 2015. Collection method: clinical testing. Allele origin: germline.
Comment: The IMPDH1 c.721G>A variant is predicted to result in the amino acid substitution p.Gly241Ser. To our knowledge, this variant has not been reported in the literature. This variant is reported in 0.00089% of alleles in individuals of European (Non-Finnish) descent in gnomAD. At this time, the clinical significance of this variant is uncertain due to the absence of conclusive functional and genetic evidence.

NM_000883.4(IMPDH1):c.721G>A (p.Gly241Ser)

Gene: IMPDH1 (inosine monophosphate dehydrogenase 1; minus strand). Cytogenetic location: 7q32.1.
Variant type: single nucleotide variant.
Coding change: c.721G>A on transcript NM_000883.4 (MANE Select); coding-DNA position 721, G replaced by A.
Protein change: p.Gly241Ser; replaces glycine 241 with serine.
Molecular consequence: missense variant.
Genome position (GRCh38, 1-based): chr7:128,400,398, C>T on the plus strand (G>A on the coding strand, the complement: IMPDH1 is on the minus strand). VCF-style: chr7-128400398-C-T. GRCh37 (hg19) VCF-style: chr7-128040452-C-T.
Other names: c.721G>A (NM_000883.3); c.691G>A, p.Gly231Ser (NM_001102605.2); c.466G>A, p.Gly156Ser (NM_001142573.2); c.451G>A, p.Gly151Ser (NM_001142574.2); c.391G>A, p.Gly131Ser (NM_001142575.2); c.622G>A, p.Gly208Ser (NM_001142576.2); c.514G>A, p.Gly172Ser (NM_001304521.2); c.613G>A, p.Gly205Ser (NM_183243.3); short protein forms G151S, G156S, G172S, G241S, G131S, G208S, G205S, G231S.
Identifiers: ClinVar variation 1399624 (VCV001399624.8), dbSNP rs932987662, ClinGen allele CA166128514.